The following is an entry in ClinVar:

NM_000088.4(COL1A1):c.3770G>A (p.Arg1257His)

Gene: COL1A1 (collagen type I alpha 1 chain; minus strand). Cytogenetic location: 17q21.33.
Variant type: single nucleotide variant.
Coding change: c.3770G>A on transcript NM_000088.4 (MANE Select); coding-DNA position 3770, G replaced by A.
Protein change: p.Arg1257His; replaces arginine 1257 with histidine.
Molecular consequence: missense variant.
Genome position (GRCh38, 1-based): chr17:50,186,684, C>T on the plus strand (G>A on the coding strand, the complement: COL1A1 is on the minus strand). VCF-style: chr17-50186684-C-T. GRCh37 (hg19) VCF-style: chr17-48264045-C-T.
Other names: short protein forms R1257H.
Identifiers: ClinVar variation 2883726 (VCV002883726.5), dbSNP rs775462973, ClinGen allele CA8644355.

ClinVar aggregate classification (germline): Uncertain significance. Review status: criteria provided, multiple submitters, no conflicts (2 of 4 stars). 3 submissions from 3 submitters: Uncertain significance (3). Last evaluated 2026-04-06.

Conditions:
Cardiovascular phenotype. Identifiers: MedGen CN230736.
Osteogenesis imperfecta type I (OI1). Also called: Classic Non-deforming Osteogenesis Imperfecta with Blue Sclerae; OI, TYPE I; OSTEOGENESIS IMPERFECTA TARDA; OSTEOGENESIS IMPERFECTA WITH BLUE SCLERAE; Osteogenesis imperfecta type 1; Lobstein's Disease. Identifiers: Orphanet 216796, Orphanet 666, MedGen C0023931, MONDO:0008146, OMIM 166200. Disease mechanism: loss of function.

Allele frequency attached by ClinVar (database versions not stated): gnomAD 0.00001; TOPMed 0.00001.
gnomAD v4.1: 10 of 1,613,438 alleles (0.00062%); highest among the groups gnomAD compares: South Asian, 0.0055%; no homozygotes.

Submissions (3):

Women's Health and Genetics/Laboratory Corporation of America, LabCorp
Classification: Uncertain significance. Last evaluated: 2026-04-06. Review status: criteria provided, single submitter. Criteria: LabCorp Variant Classification Summary - May 2015. Collection method: clinical testing. Allele origin: germline.
Comment: Variant summary: COL1A1 c.3770G>A (p.Arg1257His) results in a non-conservative amino acid change in the encoded protein sequence. Algorithms developed to predict the effect of missense changes on protein structure and function all suggest that this variant is likely to be disruptive. The variant allele was found at a frequency of 2e-05 in 250464 control chromosomes (gnomAD). The available data on variant occurrences in the general population are insufficient to allow any conclusion about variant significance. c.3770G>A has been observed in one individual affected with prostate cancer (Liang_2022). The report does not provide unequivocal conclusions about association of the variant with Osteogenesis imperfecta type I. To our knowledge, no experimental evidence demonstrating an impact on protein function has been reported. The following publication have been ascertained in the context of this evaluation (PMID: 36095024). ClinVar contains an entry for this variant (Variation ID: 2883726). Based on the evidence outlined above, the variant was classified as uncertain significance.

Ambry Genetics
Classification: Uncertain significance for Cardiovascular phenotype. Last evaluated: 2024-04-30. Review status: criteria provided, single submitter. Criteria: Ambry Variant Classification Scheme 2023. Collection method: clinical testing. Allele origin: germline.
Comment: The p.R1257H variant (also known as c.3770G>A), located in coding exon 48 of the COL1A1 gene, results from a G to A substitution at nucleotide position 3770. The arginine at codon 1257 is replaced by histidine, an amino acid with highly similar properties. This amino acid position is highly conserved in available vertebrate species. In addition, this alteration is predicted to be deleterious by in silico analysis. Based on the available evidence, the clinical significance of this variant remains unclear.

Labcorp Genetics (formerly Invitae), Labcorp
Classification: Uncertain significance for Osteogenesis imperfecta type I. Last evaluated: 2023-10-05. Review status: criteria provided, single submitter. Criteria: Invitae Variant Classification Sherloc (09022015). Collection method: clinical testing. Allele origin: germline.
Comment: This sequence change replaces arginine, which is basic and polar, with histidine, which is basic and polar, at codon 1257 of the COL1A1 protein (p.Arg1257His). This variant is present in population databases (rs775462973, gnomAD 0.01%). This variant has not been reported in the literature in individuals affected with COL1A1-related conditions. Advanced modeling of protein sequence and biophysical properties (such as structural, functional, and spatial information, amino acid conservation, physicochemical variation, residue mobility, and thermodynamic stability) performed at Invitae indicates that this missense variant is expected to disrupt COL1A1 protein function. In summary, the available evidence is currently insufficient to determine the role of this variant in disease. Therefore, it has been classified as a Variant of Uncertain Significance.

Literature cited by the submitters: PubMed 36095024 (cited by Women's Health and Genetics/Laboratory Corporation of America, LabCorp).